The following is an entry in ClinVar:

NM_000163.5(GHR):c.1495G>A (p.Val499Met)

Gene: GHR (growth hormone receptor; plus strand). Cytogenetic location: 5p12.
Variant type: single nucleotide variant.
Coding change: c.1495G>A on transcript NM_000163.5 (MANE Select); coding-DNA position 1495, G replaced by A.
Protein change: p.Val499Met; replaces valine 499 with methionine.
Molecular consequence: missense variant. On other transcripts: 3 prime UTR variant (1).
Genome position (GRCh38, 1-based): chr5:42,719,002, G>A. VCF-style: chr5-42719002-G-A. GRCh37 (hg19) VCF-style: chr5-42719104-G-A.
Other names: c.1516G>A, p.Val506Met (NM_001242399.2); c.1495G>A, p.Val499Met (NM_001242400.2, NM_001242401.4, NM_001242402.2 and 4 more transcripts); c.1429G>A, p.Val477Met (NM_001242460.2); c.*537G>A (NM_001242462.1); short protein forms V477M, V506M, V499M.
Identifiers: ClinVar variation 2084182 (VCV002084182.5), dbSNP rs373984725, ClinGen allele CA3254655.

ClinVar aggregate classification (germline): Uncertain significance. Review status: criteria provided, multiple submitters, no conflicts (2 of 4 stars). 2 submissions from 2 submitters: Uncertain significance (2). Last evaluated 2025-11-15.

Conditions:
Inborn genetic diseases. Identifiers: MedGen C0950123, MeSH D030342.

Allele frequency attached by ClinVar (database versions not stated): gnomAD 0.00001; gnomAD exomes 0.00001; ExAC 0.00002; TOPMed 0.00002; ESP Exome Variant Server 0.00008.
gnomAD v4.1: 15 of 1,608,360 alleles (0.00093%); highest among the groups gnomAD compares: Middle Eastern, 0.017%; no homozygotes.

Submissions (2):

Labcorp Genetics (formerly Invitae), Labcorp
Classification: Uncertain significance. Last evaluated: 2025-11-15. Review status: criteria provided, single submitter. Criteria: Invitae Variant Classification Sherloc (09022015). Collection method: clinical testing. Allele origin: germline.
Comment: This sequence change replaces valine, which is neutral and non-polar, with methionine, which is neutral and non-polar, at codon 499 of the GHR protein (p.Val499Met). This variant is present in population databases (rs373984725, gnomAD 0.0009%). This variant has not been reported in the literature in individuals affected with GHR-related conditions. ClinVar contains an entry for this variant (Variation ID: 2084182). Invitae Evidence Modeling of protein sequence and biophysical properties (such as structural, functional, and spatial information, amino acid conservation, physicochemical variation, residue mobility, and thermodynamic stability) indicates that this missense variant is not expected to disrupt GHR protein function with a negative predictive value of 80%. In summary, the available evidence is currently insufficient to determine the role of this variant in disease. Therefore, it has been classified as a Variant of Uncertain Significance.

Ambry Genetics
Classification: Uncertain significance for Inborn genetic diseases. Last evaluated: 2021-08-16. Review status: criteria provided, single submitter. Criteria: Ambry Variant Classification Scheme 2023. Collection method: clinical testing. Allele origin: germline.